The following is an entry in ClinVar:

NM_006393.3(NEBL):c.2495A>C (p.Asp832Ala)

Gene: NEBL (nebulette; minus strand). Cytogenetic location: 10p12.31.
Variant type: single nucleotide variant.
Coding change: c.2495A>C on transcript NM_006393.3 (MANE Select); coding-DNA position 2495, A replaced by C.
Protein change: p.Asp832Ala; replaces aspartic acid 832 with alanine.
Molecular consequence: missense variant.
Genome position (GRCh38, 1-based): chr10:20,812,792, T>G on the plus strand (A>C on the coding strand, the complement: NEBL is on the minus strand). VCF-style: chr10-20812792-T-G. GRCh37 (hg19) VCF-style: chr10-21101721-T-G.
Other names: c.506A>C, p.Asp169Ala (NM_001173484.2, NM_001377322.1, NM_213569.2); c.458A>C, p.Asp153Ala (NM_001377323.1); c.449A>C, p.Asp150Ala (NM_001377324.1); c.440A>C, p.Asp147Ala (NM_001377325.1); c.398A>C, p.Asp133Ala (NM_001377326.1, NM_001377327.1, NM_001377328.1); short protein forms D150A, D153A, D133A, D832A, D147A, D169A.
Identifiers: ClinVar variation 4726327 (VCV004726327.1).
Genomic context (GRCh38, chr10:20,812,792, plus strand): 5'-GACCACACACACCGGCCGACAAACGCCGTCAGCTTACCAACAATGATTCCAGGTCTCCTG[T>G]CCATCTCCACGATGTGAGGGTGGACCCCTTTATAGGCAGCATCGCTGACCACCTGGGTGT-3'
Protein context (NP_006384.1, residues 822-842): KGVHPHIVEM[Asp832Ala]RRPGIIVDLK

ClinVar aggregate classification (germline): Uncertain significance (1 of 4 stars; one submission).

Conditions:
Primary dilated cardiomyopathy (DCM). Also called: Dilated Cardiomyopathy. Identifiers: Orphanet 217604, MedGen C0007193, MeSH D002311, MONDO:0005021, HP:0001644. Inheritance: Various modes of inheritance.

Submission:

Labcorp Genetics (formerly Invitae), Labcorp
Classification: Uncertain significance for Primary dilated cardiomyopathy. Last evaluated: 2025-10-20. Review status: criteria provided, single submitter. Criteria: Invitae Variant Classification Sherloc (09022015). Collection method: clinical testing. Allele origin: germline.
Comment: This sequence change replaces aspartic acid, which is acidic and polar, with alanine, which is neutral and non-polar, at codon 832 of the NEBL protein (p.Asp832Ala). This variant is not present in population databases (gnomAD no frequency). This variant has not been reported in the literature in individuals affected with NEBL-related conditions. An algorithm developed to predict the effect of missense changes on protein structure and function (PolyPhen-2) suggests that this variant is likely to be disruptive. In summary, the available evidence is currently insufficient to determine the role of this variant in disease. Therefore, it has been classified as a Variant of Uncertain Significance.